The following is an entry in ClinVar:

ClinVar aggregate classification (germline): Uncertain significance. Review status: criteria provided, multiple submitters, no conflicts (2 of 4 stars). 3 submissions from 3 submitters: Uncertain significance (3). Last evaluated 2022-03-15.

Conditions:
Hereditary cancer-predisposing syndrome. Also called: Hereditary neoplastic syndrome; Neoplastic Syndromes, Hereditary; Tumor predisposition; Hereditary Cancer Syndrome. Identifiers: Orphanet 140162, MedGen C0027672, MeSH D009386, MONDO:0015356.
Neurofibromatosis, type 1 (NF1). Also called: VON RECKLINGHAUSEN DISEASE; Peripheral type neurofibromatosis; NEUROFIBROMATOSIS, TYPE I, SOMATIC; Neurofibromatosis, type I. Identifiers: Orphanet 636, MedGen C0027831, MONDO:0018975, OMIM 162200. Disease mechanism: loss of function.

Submissions (3):

Genome-Nilou Lab
Classification: Uncertain significance for Neurofibromatosis, type 1. Last evaluated: 2022-03-15. Review status: criteria provided, single submitter. Criteria: ACMG Guidelines, 2015. Collection method: clinical testing. Allele origin: germline. Affected: no.

Labcorp Genetics (formerly Invitae), Labcorp
Classification: Uncertain significance for Neurofibromatosis, type 1. Last evaluated: 2018-07-24. Review status: criteria provided, single submitter. Criteria: Invitae Variant Classification Sherloc (09022015). Collection method: clinical testing. Allele origin: germline.
Comment: In summary, the available evidence is currently insufficient to determine the role of this variant in disease. Therefore, it has been classified as a Variant of Uncertain Significance. Algorithms developed to predict the effect of missense changes on protein structure and function are either unavailable or do not agree on the potential impact of this missense change (SIFT: "Tolerated"; PolyPhen-2: "Possibly Damaging"; Align-GVGD: "Class C0"). This variant has not been reported in the literature in individuals with NF1-related disease. ClinVar contains an entry for this variant (Variation ID: 480086). This variant is not present in population databases (ExAC no frequency). This sequence change replaces serine with isoleucine at codon 2666 of the NF1 protein (p.Ser2666Ile). The serine residue is moderately conserved and there is a large physicochemical difference between serine and isoleucine.

Ambry Genetics
Classification: Uncertain significance for Hereditary cancer-predisposing syndrome. Last evaluated: 2016-01-25. Review status: criteria provided, single submitter. Criteria: Ambry Autosomal Dominant and X-Linked criteria (10/2015). Collection method: clinical testing. Allele origin: germline. Observed: 1 variant allele.
Comment: The p.S2687I variant (also known as c.8060G>T), located in coding exon 55 of the NF1 gene, results from a G to T substitution at nucleotide position 8060. The serine at codon 2687 is replaced by isoleucine, an amino acid with dissimilar properties. This variant was not reported in population based cohorts in the following databases: Database of Single Nucleotide Polymorphisms (dbSNP), NHLBI Exome Sequencing Project (ESP), and 1000 Genomes Project. In the ESP, this variant was not observed in 6503 samples (13006 alleles) with coverage at this position. To date, this alteration has been detected with an allele frequency of approximately 0.001% (greater than 110000alleles tested) in our clinical cohort.This amino acid position is well conserved in available vertebrate species. In addition, the in silico prediction for this alteration is inconclusive. Since supporting evidence is limited at this time, the clinical significance of this alterationremains unclear.

NM_001042492.3(NF1):c.8060G>T (p.Ser2687Ile)

Gene: NF1 (neurofibromin 1; plus strand). Cytogenetic location: 17q11.2.
Variant type: single nucleotide variant.
Coding change: c.8060G>T on transcript NM_001042492.3 (MANE Select); coding-DNA position 8060, G replaced by T.
Protein change: p.Ser2687Ile; replaces serine 2687 with isoleucine.
Molecular consequence: missense variant.
Genome position (GRCh38, 1-based): chr17:31,358,569, G>T. VCF-style: chr17-31358569-G-T. GRCh37 (hg19) VCF-style: chr17-29685587-G-T.
Other names: c.7997G>T, p.Ser2666Ile (NM_000267.4); short protein forms S2666I, S2687I.
Identifiers: ClinVar variation 480086 (VCV000480086.10), dbSNP rs1555536916, ClinGen allele CA399203823.